The following is an entry in ClinVar:

NM_018723.4(RBFOX1):c.955G>T (p.Ala319Ser)

Gene: RBFOX1 (RNA binding fox-1 homolog 1; plus strand). Cytogenetic location: 16p13.3.
Variant type: single nucleotide variant.
Coding change: c.955G>T on transcript NM_018723.4 (MANE Select); coding-DNA position 955, G replaced by T.
Protein change: p.Ala319Ser; replaces alanine 319 with serine.
Molecular consequence: missense variant.
Genome position (GRCh38, 1-based): chr16:7,676,798, G>T. VCF-style: chr16-7676798-G-T. GRCh37 (hg19) VCF-style: chr16-7726800-G-T.
Other names: c.874G>T, p.Ala292Ser (NM_001142333.2); c.955G>T, p.Ala319Ser (NM_001142334.2, NM_001364800.2); c.1084G>T, p.Ala362Ser (NM_001308117.1); c.1018G>T, p.Ala340Ser (NM_145891.3, NM_145892.3, NM_145893.3); short protein forms A319S, A340S, A362S, A292S.
Identifiers: ClinVar variation 410099 (VCV000410099.9), dbSNP rs199644500, ClinGen allele CA16615010.

ClinVar aggregate classification (germline): Uncertain significance (1 of 4 stars; one submission).

Conditions:
Idiopathic generalized epilepsy. Also called: EIG; Generalised epilepsy. Identifiers: MedGen C0270850, MONDO:0005579, OMIM 600669.

Allele frequency attached by ClinVar (database versions not stated): TOPMed below 0.00001.
gnomAD v4.1: 10 of 1,613,212 alleles (0.00062%); highest among the groups gnomAD compares: Admixed American, 0.0017%; no homozygotes.

Submission:

Labcorp Genetics (formerly Invitae), Labcorp
Classification: Uncertain significance for Idiopathic generalized epilepsy. Last evaluated: 2020-01-11. Review status: criteria provided, single submitter. Criteria: Invitae Variant Classification Sherloc (09022015). Collection method: clinical testing. Allele origin: germline.
Comment: In summary, this variant is a novel missense change with uncertain impact on protein function. It has been classified as a Variant of Uncertain Significance. Algorithms developed to predict the effect of missense changes on protein structure and function do not agree on the potential impact of this missense change (SIFT: "Deleterious"; PolyPhen-2: "Possibly Damaging"; Align-GVGD: "Class C0"). This variant is not present in population databases (ExAC no frequency) and has not been reported in the literature in individuals with a RBFOX1-related disease. This sequence change replaces alanine with serine at codon 340 of the RBFOX1 protein (p.Ala340Ser). The alanine residue is moderately conserved and there is a moderate physicochemical difference between alanine and serine.